The following is an entry in ClinVar:

ClinVar aggregate classification (germline): Uncertain significance (1 of 4 stars; one submission).

gnomAD v4.1: 1 of 1,614,124 alleles (0.000062%); highest among the groups gnomAD compares: Non-Finnish European, 0.000085%; no homozygotes.

Submission:

Ambry Genetics
Classification: Uncertain significance. Last evaluated: 2023-11-01. Review status: criteria provided, single submitter. Criteria: Ambry Variant Classification Scheme 2023. Collection method: clinical testing. Allele origin: germline.
Comment: The p.S129R variant (also known as c.387C>A), located in coding exon 4 of the RINT1 gene, results from a C to A substitution at nucleotide position 387. The serine at codon 129 is replaced by arginine, an amino acid with dissimilar properties. This amino acid position is conserved. In addition, this alteration is predicted to be tolerated by in silico analysis. Since supporting evidence is limited at this time, the clinical significance of this alteration remains unclear.

NM_021930.6(RINT1):c.387C>A (p.Ser129Arg)

Gene: RINT1 (RAD50 interactor 1; plus strand). Cytogenetic location: 7q22.3.
Variant type: single nucleotide variant.
Coding change: c.387C>A on transcript NM_021930.6 (MANE Select); coding-DNA position 387, C replaced by A.
Protein change: p.Ser129Arg; replaces serine 129 with arginine.
Molecular consequence: missense variant. On other transcripts: 5 prime UTR variant (3), non-coding transcript variant (1).
Genome position (GRCh38, 1-based): chr7:105,542,521, C>A. VCF-style: chr7-105542521-C-A. GRCh37 (hg19) VCF-style: chr7-105182968-C-A.
Other names: c.153C>A, p.Ser51Arg (NM_001346599.2); c.-633C>A (NM_001346600.2); c.-536C>A (NM_001346601.2); c.-156C>A (NM_001346603.2); short protein forms S129R, S51R.
Identifiers: ClinVar variation 3227654 (VCV003227654.1), dbSNP rs769363586, ClinGen allele CA368803359.
Genomic context (GRCh38, chr7:105,542,521, plus strand): 5'-TGCAGAAGAATCAAAGCAATTTCTTAATCAGTTTCTGGAGCAGGAAACTCATCTCTTCAG[C>A]GCCATTAACAGCCATTTGCTGACTGCGCAACCTTGGATGGACGATCTTGGAACCATGATT-3'
Protein context (NP_068749.3, residues 119-139): QFLEQETHLF[Ser129Arg]AINSHLLTAQ